The following is an entry in ClinVar:

ClinVar aggregate classification (germline): Uncertain significance (1 of 4 stars; one submission).

Conditions:
Retinoblastoma (RB1). Also called: RETINOBLASTOMA, SOMATIC. Identifiers: Orphanet 790, MedGen C0035335, MeSH D012175, MONDO:0008380, OMIM 180200, HP:0009919. Disease mechanism: loss of function. Inheritance: Both sporadic and heritable forms are tested..

Submission:

All of Us Research Program, National Institutes of Health
Classification: Uncertain significance for Retinoblastoma. Last evaluated: 2023-08-28. Review status: criteria provided, single submitter. Criteria: ACMG Guidelines, 2015. Collection method: clinical testing. Allele origin: germline. Inheritance: Autosomal dominant inheritance. Observed: 1 variant allele, 1 heterozygote.
Comment: This missense variant replaces tyrosine with serine at codon 749 of the RB1 protein. Computational prediction is inconclusive regarding the impact of this variant on protein structure and function (internally defined REVEL score threshold 0.5 < inconclusive < 0.7, PMID: 27666373). To our knowledge, functional studies have not been reported for this variant. This variant has not been reported in individuals affected with RB1-related disorders in the literature. This variant has not been identified in the general population by the Genome Aggregation Database (gnomAD). The available evidence is insufficient to determine the role of this variant in disease conclusively. Therefore, this variant is classified as a Variant of Uncertain Significance.

This study involves interpretation of variants in research participants for the purpose of population health screening. Participant phenotype was not available at the time of variant classification. Additional details can be found in publication PMID: 35346344, PMCID: PMC8962531

NM_000321.3(RB1):c.2246A>C (p.Tyr749Ser)

Gene: RB1 (RB transcriptional corepressor 1; plus strand). Cytogenetic location: 13q14.2.
Variant type: single nucleotide variant.
Coding change: c.2246A>C on transcript NM_000321.3 (MANE Select); coding-DNA position 2246, A replaced by C.
Protein change: p.Tyr749Ser; replaces tyrosine 749 with serine.
Molecular consequence: missense variant.
Genome position (GRCh38, 1-based): chr13:48,465,032, A>C. VCF-style: chr13-48465032-A-C. GRCh37 (hg19) VCF-style: chr13-49039168-A-C.
Other names: c.2246A>C, p.Tyr749Ser (NM_001407165.1); short protein forms Y749S.
Identifiers: ClinVar variation 3073176 (VCV003073176.1), dbSNP rs1949430638, ClinGen allele CA388167555.